The following is an entry in ClinVar:

ClinVar aggregate classification (germline): Benign/Likely benign. Review status: criteria provided, multiple submitters, no conflicts (2 of 4 stars). 19 submissions from 19 submitters: Benign (12); Likely benign (3). 4 of the submissions do not count toward it. Last evaluated 2026-10-01.

Conditions:
Inborn genetic diseases. Identifiers: MedGen C0950123, MeSH D030342.
CHARGE syndrome (CHARGE). Also called: CHARGE ASSOCIATION--COLOBOMA, HEART ANOMALY, CHOANAL ATRESIA, RETARDATION, GENITAL AND EAR ANOMALIES; Hittner Hirsch Kreh syndrome; Coloboma, heart anomaly, choanal atresia, retardation, genital and ear anomalies; CHARGE association; Hall-Hittner syndrome. Identifiers: Orphanet 138, MedGen C0265354, MONDO:0008965.

Submissions (19):

CeGaT Center for Human Genetics Tuebingen
Classification: Likely benign. Last evaluated: 2026-10-01. Review status: criteria provided, single submitter. Criteria: CeGaT Center For Human Genetics Tuebingen Variant Classification Criteria Version 2. Collection method: clinical testing. Allele origin: germline. Affected: yes. Observed: 88 variant alleles.
Comment: CHD7: PM4, BS1, BS2

Labcorp Genetics (formerly Invitae), Labcorp
Classification: Benign for CHARGE syndrome. Last evaluated: 2026-02-02. Review status: criteria provided, single submitter. Criteria: Invitae Variant Classification Sherloc (09022015). Collection method: clinical testing. Allele origin: germline.

Mayo Clinic Laboratories, Mayo Clinic
Classification: Benign. Last evaluated: 2025-10-15. Review status: criteria provided, single submitter. Criteria: ACMG Guidelines, 2015. Collection method: clinical testing. Allele origin: germline. Observed: 5 variant alleles.
Comment: BS1, BS2

Blueprint Genetics
Classification: Benign. Last evaluated: 2024-11-27. Review status: criteria provided, single submitter. Criteria: ACMG Guidelines, 2015. Collection method: clinical testing. Allele origin: germline.

Mendelics
Classification: Benign for CHD7-related CHARGE syndrome. Last evaluated: 2019-05-28. Review status: criteria provided, single submitter. Criteria: Mendelics Assertion Criteria 2017. Collection method: clinical testing. Allele origin: unknown.

Athena Diagnostics
Classification: Benign. Last evaluated: 2019-01-18. Review status: criteria provided, single submitter. Criteria: Athena Diagnostics Criteria. Collection method: clinical testing. Allele origin: germline.

Laboratory for Molecular Medicine, Mass General Brigham Personalized Medicine
Classification: Benign. Last evaluated: 2018-04-10. Review status: criteria provided, single submitter. Criteria: LMM Criteria. Collection method: clinical testing. Allele origin: germline. Observed: 3 variant alleles.
Comment: p.Ala685_Lys686dup (c.2053_2058dupGCAAAA) in exon 3 of CHD7: This variant is cla ssified as benign because it has been identified in 1% of European chromosomes, including 4 homozygotes, by the Genome Aggregation Database (gnomAD; dbSNP rs377139749). ACMG/AMP Criteria applied: BA1.

Center for Pediatric Genomic Medicine, Children's Mercy Hospital and Clinics
Classification: Benign. Last evaluated: 2017-04-12. Review status: criteria provided, single submitter. Criteria: ACMG Guidelines, 2015. Collection method: clinical testing. Allele origin: germline.

GeneDx
Classification: Benign. Last evaluated: 2016-12-07. Review status: criteria provided, single submitter. Criteria: GeneDx Variant Classification Process June 2021. Collection method: clinical testing. Allele origin: germline. Affected: yes.
Comment: This variant is associated with the following publications: (PMID: 29304373, 28475860, 25077900)

Center for Human Genetics, Inc
Classification: Likely benign for CHARGE syndrome. Last evaluated: 2016-11-01. Review status: criteria provided, single submitter. Criteria: ACMG Guidelines, 2015. Collection method: clinical testing. Allele origin: germline. Affected: yes.

Ambry Genetics
Classification: Benign for Inborn genetic diseases. Last evaluated: 2016-07-20. Review status: criteria provided, single submitter. Criteria: Ambry Variant Classification Scheme 2023. Collection method: clinical testing. Allele origin: germline.

Genomic Diagnostic Laboratory, Division of Genomic Diagnostics, Children's Hospital of Philadelphia
Classification: Benign. Last evaluated: 2015-07-10. Review status: criteria provided, single submitter. Criteria: DGD Variant Analysis Guidelines. Collection method: clinical testing. Allele origin: unknown.

Eurofins Ntd Llc (ga)
Classification: Benign. Last evaluated: 2013-12-06. Review status: criteria provided, single submitter. Criteria: EGL Classification Definitions 2015. Collection method: clinical testing. Allele origin: germline.

Genetic Services Laboratory, University of Chicago
Classification: Likely benign. Last evaluated: 2013-02-08. Review status: criteria provided, single submitter. Criteria: ACMG Guidelines, 2007. Collection method: clinical testing. Allele origin: germline.

PreventionGenetics, part of Exact Sciences
Classification: Benign. Review status: criteria provided, single submitter. Criteria: ACMG Guidelines, 2015. Collection method: clinical testing. Allele origin: germline.

Clinical Genetics DNA and cytogenetics Diagnostics Lab, Erasmus MC, Erasmus Medical Center
Classification: Benign. Review status: no assertion criteria provided. Collection method: clinical testing. Allele origin: germline. Affected: yes. Study: VKGL Data-share Consensus. Not counted in ClinVar's aggregate classification.

Clinical Genetics, Academic Medical Center
Classification: Likely benign. Review status: no assertion criteria provided. Collection method: clinical testing. Allele origin: germline. Affected: yes. Study: VKGL Data-share Consensus. Not counted in ClinVar's aggregate classification.

Diagnostic Laboratory, Department of Genetics, University Medical Center Groningen
Classification: Likely benign. Review status: no assertion criteria provided. Collection method: clinical testing. Allele origin: germline. Affected: yes. Study: VKGL Data-share Consensus. Not counted in ClinVar's aggregate classification.

Genome Diagnostics Laboratory, University Medical Center Utrecht
Classification: Benign. Review status: no assertion criteria provided. Collection method: clinical testing. Allele origin: germline. Affected: yes. Study: VKGL Data-share Consensus. Not counted in ClinVar's aggregate classification.

Literature cited by the submitters: PubMed 25077900 (cited by 3 submitters); PubMed 28475860 (cited by Mayo Clinic Laboratories, Mayo Clinic and Laboratory for Molecular Medicine, Mass General Brigham Personalized Medicine); PubMed 29304373 (cited by 3 submitters); PubMed 30476936 (cited by Mayo Clinic Laboratories, Mayo Clinic); PubMed 21158681 (cited by Athena Diagnostics); PubMed 18445044 (cited by Athena Diagnostics and Ambry Genetics); PubMed 22461308 (cited by Ambry Genetics).

NM_017780.4(CHD7):c.2053_2058dup (p.Ala685_Lys686dup)

Genes: CHD7 (chromodomain helicase DNA binding protein 7; plus strand), LOC126860403 (CDK7 strongly-dependent group 2 enhancer GRCh37_chr8:61693034-61694233; plus strand). Cytogenetic location: 8q12.2.
Variant type: Duplication.
Coding change: c.2053_2058dup on transcript NM_017780.4 (MANE Select); coding-DNA positions 2053 to 2058, 6 bases duplicated (GCAAAA; older notation c.2053_2058dupGCAAAA).
Protein change: p.Ala685_Lys686dup.
Genome position (GRCh38, 1-based): chr8:60,781,387-60,781,392, GCAAAA duplicated; duplicating any 6 consecutive bases within chr8:60,781,384-60,781,392 gives the same sequence; the c. name uses the placement nearest the transcript's 3' end. VCF-style (leftmost placement, unchanged base first): chr8-60781383-G-GAAAGCA. GRCh37 (hg19) VCF-style: chr8-61693942-G-GAAAGCA.
Other names: p.Ala685_Lys686dup; c.1716+337_1716+342dup (NM_001316690.1); c.2053_2058dupGCAAAA (NM_017780.3).
Identifiers: ClinVar variation 95776 (VCV000095776.67), dbSNP rs377139749, ClinGen allele CA148847.